The following is an entry in ClinVar:

ClinVar aggregate classification (germline): Pathogenic/Likely pathogenic. Review status: criteria provided, multiple submitters, no conflicts (2 of 4 stars). 4 submissions from 4 submitters: Pathogenic (1); Likely pathogenic (2). 1 of the submissions does not count toward it. Last evaluated 2025-01-08.

Conditions:
Deficiency of butyryl-CoA dehydrogenase (ACADSD). Also called: SCAD DEFICIENCY, MILD; ACYL-CoA DEHYDROGENASE, SHORT-CHAIN, DEFICIENCY OF; SCADH DEFICIENCY; ACADS DEFICIENCY; Short-Chain Acyl-CoA Dehydrogenase Deficiency; SCAD Deficiency. Identifiers: Orphanet 26792, MedGen C0342783, MONDO:0008722, OMIM 201470. Disease mechanism: May be benign.

Allele frequency attached by ClinVar (database versions not stated): gnomAD 0.00001; gnomAD exomes 0.00002; TOPMed 0.00003.

Submissions (4):

Women's Health and Genetics/Laboratory Corporation of America, LabCorp
Classification: Likely pathogenic for Deficiency of butyryl-CoA dehydrogenase. Last evaluated: 2025-01-08. Review status: criteria provided, single submitter. Criteria: LabCorp Variant Classification Summary - May 2015. Collection method: clinical testing. Allele origin: germline.
Comment: Variant summary: ACADS c.2T>C (p.Met1Thr) alters the initiation codon and is predicted to result either in absence of the protein or truncation of the encoded protein due to translation initiation at a downstream codon. Next in-frame methionine is located at the codon p.M40. Two of two in-silico tools predict a damaging effect of the variant on protein function. The variant allele was found at a frequency of 1.3e-05 in 156242 control chromosomes. c.2T>C has been reported in the literature in individuals affected with Deficiency Of Butyryl-CoA Dehydrogenase with undetectable SCAD protein (examples: Pedersen_2008, Internal data). These data indicate that the variant may be associated with disease. The following publications have been ascertained in the context of this evaluation (PMID: 18523805). ClinVar contains an entry for this variant (Variation ID: 2501121). Based on the evidence outlined above, the variant was classified as likely pathogenic.

Labcorp Genetics (formerly Invitae), Labcorp
Classification: Pathogenic for Deficiency of butyryl-CoA dehydrogenase. Last evaluated: 2023-06-06. Review status: criteria provided, single submitter. Criteria: Invitae Variant Classification Sherloc (09022015). Collection method: clinical testing. Allele origin: germline.
Comment: For these reasons, this variant has been classified as Pathogenic. This variant disrupts a region of the ACADS protein in which other variant(s) (p.Arg23Trp) have been observed in individuals with ACADS-related conditions (Invitae). This suggests that this is a clinically significant region of the protein, and that variants that disrupt it are likely to be disease-causing. Experimental studies and prediction algorithms are not available or were not evaluated, and the functional significance of this variant is currently unknown. ClinVar contains an entry for this variant (Variation ID: 2501121). Disruption of the initiator codon has been observed in individual(s) with short-chain acyl-coenzyme A dehydrogenase deficiency (PMID: 18523805; Invitae). In at least one individual the data is consistent with being in trans (on the opposite chromosome) from a pathogenic variant. The frequency data for this variant in the population databases is considered unreliable, as metrics indicate poor data quality at this position in the gnomAD database. This sequence change affects the initiator methionine of the ACADS mRNA. The next in-frame methionine is located at codon 40.

Institute for Medical Genetics and Human Genetics, Charité - Universitätsmedizin Berlin
Classification: Likely pathogenic. Review status: criteria provided, single submitter. Criteria: ACMG Guidelines, 2015. Collection method: not provided. Allele origin: germline. Affected: yes.

Department of Pathology and Laboratory Medicine, Sinai Health System
Classification: Uncertain significance for short chain acyl-CoA dehydrogenase deficiency. Last evaluated: 2023-01-10. Review status: flagged submission. Criteria: ACMG Guidelines, 2015. Collection method: research. Allele origin: germline. Not counted in ClinVar's aggregate classification.
ClinVar note: Reason: Older and outlier claim with insufficient supporting evidence

Literature cited by the submitters: PubMed 18523805 (cited by Women's Health and Genetics/Laboratory Corporation of America, LabCorp and Labcorp Genetics (formerly Invitae), Labcorp).

NM_000017.4(ACADS):c.2T>C (p.Met1Thr)

Gene: ACADS (acyl-CoA dehydrogenase short chain; plus strand). Cytogenetic location: 12q24.31.
Variant type: single nucleotide variant.
Coding change: c.2T>C on transcript NM_000017.4 (MANE Select); coding-DNA position 2, T replaced by C.
Protein change: p.Met1Thr; changes the start codon (methionine 1).
Molecular consequence: missense variant, initiator codon variant.
Genome position (GRCh38, 1-based): chr12:120,725,887, T>C. VCF-style: chr12-120725887-T-C. GRCh37 (hg19) VCF-style: chr12-121163690-T-C.
Other names: c.2T>C, p.Met1Thr (NM_001302554.2); short protein forms M1T.
Identifiers: ClinVar variation 2501121 (VCV002501121.11), dbSNP rs990322697, ClinGen allele CA244512532.
Genomic context (GRCh38, chr12:120,725,887, plus strand): 5'-CTCCGGAACAGCGCGCTCGCAGCGGGAGGTCGCGAAGCCTGGGACTGTGTCTGTCGCCCA[T>C]GGCCGCCGCGCTGCTCGCCCGGGCCTCGGGCCCTGCCCGCAGAGGTGAGTGCGCTGGGGA-3'
Protein context (NP_000008.1, residues 1-11): [Met1Thr]AAALLARASG